The following is an entry in ClinVar:

ClinVar aggregate classification (germline): Uncertain significance. Review status: criteria provided, multiple submitters, no conflicts (2 of 4 stars). 2 submissions from 2 submitters: Uncertain significance (2). Last evaluated 2025-12-06.

Allele frequency attached by ClinVar (database versions not stated): gnomAD exomes below 0.00001; ExAC 0.00003; TOPMed 0.00004; gnomAD 0.00007; ESP Exome Variant Server 0.00016.
gnomAD v4.1: 18 of 1,612,870 alleles (0.0011%); highest among the groups gnomAD compares: African/African-American, 0.0093%; no homozygotes.

Submissions (2):

Mayo Clinic Laboratories, Mayo Clinic
Classification: Uncertain significance. Last evaluated: 2025-12-06. Review status: criteria provided, single submitter. Criteria: ACMG Guidelines, 2015. Collection method: clinical testing. Allele origin: germline. Observed: 1 variant allele.
Comment: BP4_strong

Labcorp Genetics (formerly Invitae), Labcorp
Classification: Uncertain significance. Last evaluated: 2025-09-13. Review status: criteria provided, single submitter. Criteria: Invitae Variant Classification Sherloc (09022015). Collection method: clinical testing. Allele origin: germline.
Comment: This sequence change replaces aspartic acid, which is acidic and polar, with asparagine, which is neutral and polar, at codon 921 of the AP3D1 protein (p.Asp921Asn). This variant is present in population databases (rs371609968, gnomAD 0.01%). This variant has not been reported in the literature in individuals affected with AP3D1-related conditions. ClinVar contains an entry for this variant (Variation ID: 1951683). An algorithm developed to predict the effect of missense changes on protein structure and function outputs the following: PolyPhen-2: "Benign". The asparagine amino acid residue is found in multiple mammalian species, which suggests that this missense change does not adversely affect protein function. In summary, the available evidence is currently insufficient to determine the role of this variant in disease. Therefore, it has been classified as a Variant of Uncertain Significance.

NM_001261826.3(AP3D1):c.2761G>A (p.Asp921Asn)

Gene: AP3D1 (adaptor related protein complex 3 subunit delta 1; minus strand). Cytogenetic location: 19p13.3.
Variant type: single nucleotide variant.
Coding change: c.2761G>A on transcript NM_001261826.3 (MANE Select); coding-DNA position 2761, G replaced by A.
Protein change: p.Asp921Asn; replaces aspartic acid 921 with asparagine.
Molecular consequence: missense variant. On other transcripts: intron variant (1).
Genome position (GRCh38, 1-based): chr19:2,112,886, C>T on the plus strand (G>A on the coding strand, the complement: AP3D1 is on the minus strand). VCF-style: chr19-2112886-C-T. GRCh37 (hg19) VCF-style: chr19-2112885-C-T.
Other names: p.Asp921Asn; c.2725G>A, p.Asp909Asn (NM_001374799.1); c.2602-1058G>A (NM_003938.8); short protein forms D909N, D921N.
Identifiers: ClinVar variation 1951683 (VCV001951683.6), dbSNP rs371609968, ClinGen allele CA9058741.
Genomic context (GRCh38, chr19:2,112,886, plus strand): 5'-CCCTCCACAGCCCCTGGGGGAGTGACAGCCTCACCTTGTCCTGGTCTTGCCCCTCGGCAT[C>T]GTCCTCCTCGCCCTGCGCCTCCGTCTTGGCGTCCTCACACTCGTCCTTCGGGGTAGTGAC-3'
Protein context (NP_001248755.1, residues 911-931): AKTEAQGEED[Asp921Asn]AEGQDQDKKS